The following is an entry in ClinVar:

NM_021830.5(TWNK):c.388G>C (p.Glu130Gln)

Gene: TWNK (twinkle mtDNA helicase; plus strand). Cytogenetic location: 10q24.31.
Variant type: single nucleotide variant.
Coding change: c.388G>C on transcript NM_021830.5 (MANE Select); coding-DNA position 388, G replaced by C.
Protein change: p.Glu130Gln; replaces glutamic acid 130 with glutamine.
Molecular consequence: missense variant. On other transcripts: non-coding transcript variant (4), intron variant (3).
Genome position (GRCh38, 1-based): chr10:100,988,598, G>C. VCF-style: chr10-100988598-G-C. GRCh37 (hg19) VCF-style: chr10-102748355-G-C.
Other names: c.388G>C, p.Glu130Gln (NM_001163812.2); c.-120+985G>C (NM_001163814.2, NM_001163813.2); c.-58+985G>C (NM_001368275.1); short protein forms E130Q.
Identifiers: ClinVar variation 1311777 (VCV001311777.3), dbSNP rs1285025956, ClinGen allele CA378207232.
Genomic context (GRCh38, chr10:100,988,598, plus strand): 5'-CACTTTCTCTGCATGACCAGCCTAGCAGAAGGGAGCTGGGAAGACTTCCAGGCCAGCGTG[G>C]AGGGGCGAGGGGATGGGGCCAGGGAGGGGTTTCTGCTTAGCAAGGCACCAGAATTTGAGG-3'
Protein context (NP_068602.2, residues 120-140): GSWEDFQASV[Glu130Gln]GRGDGAREGF

ClinVar aggregate classification (germline): Uncertain significance. Review status: criteria provided, multiple submitters, no conflicts (2 of 4 stars). 2 submissions from 2 submitters: Uncertain significance (2). Last evaluated 2022-08-02.

Submissions (2):

Labcorp Genetics (formerly Invitae), Labcorp
Classification: Uncertain significance. Last evaluated: 2022-08-02. Review status: criteria provided, single submitter. Criteria: Invitae Variant Classification Sherloc (09022015). Collection method: clinical testing. Allele origin: germline.
Comment: This sequence change replaces glutamic acid, which is acidic and polar, with glutamine, which is neutral and polar, at codon 130 of the TWNK protein (p.Glu130Gln). This variant is not present in population databases (gnomAD no frequency). This variant has not been reported in the literature in individuals affected with TWNK-related conditions. ClinVar contains an entry for this variant (Variation ID: 1311777). Algorithms developed to predict the effect of missense changes on protein structure and function are either unavailable or do not agree on the potential impact of this missense change (SIFT: "Tolerated"; PolyPhen-2: "Probably Damaging"; Align-GVGD: "Class C0"). In summary, the available evidence is currently insufficient to determine the role of this variant in disease. Therefore, it has been classified as a Variant of Uncertain Significance.

GeneDx
Classification: Uncertain significance. Last evaluated: 2020-01-23. Review status: criteria provided, single submitter. Criteria: GeneDx Variant Classification Process June 2021. Collection method: clinical testing. Allele origin: germline. Affected: yes.
Comment: Has not been previously published as pathogenic or benign to our knowledge; Not observed in large population cohorts (Lek et al., 2016); In silico analysis, which includes protein predictors and evolutionary conservation, supports that this variant does not alter protein structure/function